The following is an entry in ClinVar:

ClinVar aggregate classification (germline): Uncertain significance (1 of 4 stars; one submission).

Submission:

Labcorp Genetics (formerly Invitae), Labcorp
Classification: Uncertain significance. Last evaluated: 2022-10-13. Review status: criteria provided, single submitter. Criteria: Invitae Variant Classification Sherloc (09022015). Collection method: clinical testing. Allele origin: germline.
Comment: In summary, the available evidence is currently insufficient to determine the role of this variant in disease. Therefore, it has been classified as a Variant of Uncertain Significance. Experimental studies and prediction algorithms are not available or were not evaluated, and the functional significance of this variant is currently unknown. This variant has not been reported in the literature in individuals affected with RIMS1-related conditions. This variant is a gross deletion of the genomic region encompassing exon(s) 2 of the RIMS1 gene. This variant would be expected to be in-frame, preserving the integrity of the reading frame.

NC_000006.11:g.(?_72678666)_(72678786_?)del

Gene: RIMS1 (regulating synaptic membrane exocytosis 1; plus strand). Cytogenetic location: 6q13.
Variant type: Deletion.
Identifiers: ClinVar variation 2426031 (VCV002426031.4).